The following is an entry in ClinVar:

ClinVar aggregate classification (germline): Conflicting classifications of pathogenicity. Review status: criteria provided, conflicting classifications (1 of 4 stars). 2 submissions from 2 submitters: Uncertain significance (1); Benign (1). Last evaluated 2025-12-10.

Conditions:
Primary ciliary dyskinesia. Also called: Ciliary dyskinesia. Identifiers: Orphanet 244, MedGen C0008780, MONDO:0016575, HP:0012265.

Allele frequency attached by ClinVar (database versions not stated): ExAC 0.00004; gnomAD 0.00004; gnomAD exomes 0.00005; TOPMed 0.00006.
gnomAD v4.1: 76 of 1,588,476 alleles (0.0048%); highest among the groups gnomAD compares: Non-Finnish European, 0.0062%; no homozygotes.

Submissions (2):

Ambry Genetics
Classification: Uncertain significance for Primary ciliary dyskinesia. Last evaluated: 2025-12-10. Review status: criteria provided, single submitter. Criteria: Ambry Variant Classification Scheme 2023. Collection method: clinical testing. Allele origin: germline.
Comment: The p.N123D variant (also known as c.367A>G), located in coding exon 2 of the DNAH11 gene, results from an A to G substitution at nucleotide position 367. The asparagine at codon 123 is replaced by aspartic acid, an amino acid with highly similar properties. This amino acid position is conserved. In addition, this alteration is predicted to be tolerated by in silico analysis. Based on the available evidence, the clinical significance of this variant remains unclear.

Labcorp Genetics (formerly Invitae), Labcorp
Classification: Benign for Primary ciliary dyskinesia. Last evaluated: 2023-10-23. Review status: criteria provided, single submitter. Criteria: Invitae Variant Classification Sherloc (09022015). Collection method: clinical testing. Allele origin: germline.

NM_001277115.2(DNAH11):c.367A>G (p.Asn123Asp)

Gene: DNAH11 (dynein axonemal heavy chain 11; plus strand). Cytogenetic location: 7p15.3.
Variant type: single nucleotide variant.
Coding change: c.367A>G on transcript NM_001277115.2 (MANE Select); coding-DNA position 367, A replaced by G.
Protein change: p.Asn123Asp; replaces asparagine 123 with aspartic acid.
Molecular consequence: missense variant.
Genome position (GRCh38, 1-based): chr7:21,545,021, A>G. VCF-style: chr7-21545021-A-G. GRCh37 (hg19) VCF-style: chr7-21584639-A-G.
Other names: c.367A>G (NM_001277115.1); c.367A>G, p.Asn123Asp (NM_003777.3); short protein forms N123D.
Identifiers: ClinVar variation 2723686 (VCV002723686.4), dbSNP rs750093486, ClinGen allele CA4178667.